The following is an entry in ClinVar:

ClinVar aggregate classification (germline): Conflicting classifications of pathogenicity. Review status: criteria provided, conflicting classifications (1 of 4 stars). 3 submissions from 3 submitters: Uncertain significance (2); Likely benign (1). Last evaluated 2026-04-16.

Conditions:
Hereditary cancer-predisposing syndrome. Also called: Hereditary neoplastic syndrome; Neoplastic Syndromes, Hereditary; Hereditary Cancer Syndrome; Tumor predisposition. Identifiers: Orphanet 140162, MedGen C0027672, MeSH D009386, MONDO:0015356.
Cardiovascular phenotype. Identifiers: MedGen CN230736.
Neurofibromatosis, type 1 (NF1). Also called: Peripheral type neurofibromatosis; VON RECKLINGHAUSEN DISEASE; Neurofibromatosis, type I; NEUROFIBROMATOSIS, TYPE I, SOMATIC. Identifiers: Orphanet 636, MedGen C0027831, MONDO:0018975, OMIM 162200. Disease mechanism: loss of function.

Submissions (3):

Ambry Genetics
Classification: Likely benign for Cardiovascular phenotype; Hereditary cancer-predisposing syndrome. Last evaluated: 2026-04-16. Review status: criteria provided, single submitter. Criteria: Ambry Variant Classification Scheme 2023. Collection method: clinical testing. Allele origin: germline.

GeneDx
Classification: Uncertain significance. Last evaluated: 2026-01-25. Review status: criteria provided, single submitter. Criteria: GeneDx Variant Classification Process June 2021. Collection method: clinical testing. Allele origin: germline.
Comment: Not observed at significant frequency in large population cohorts (gnomAD); In silico analysis suggests that this missense variant does not alter protein structure/function; Has not been previously published as pathogenic or benign to our knowledge; This variant is associated with the following publications: (PMID: 25486365)

Labcorp Genetics (formerly Invitae), Labcorp
Classification: Uncertain significance for Neurofibromatosis, type 1. Last evaluated: 2025-10-07. Review status: criteria provided, single submitter. Criteria: Invitae Variant Classification Sherloc (09022015). Collection method: clinical testing. Allele origin: germline.
Comment: This sequence change replaces asparagine, which is neutral and polar, with serine, which is neutral and polar, at codon 639 of the NF1 protein (p.Asn639Ser). This variant is not present in population databases (gnomAD no frequency). This variant has not been reported in the literature in individuals affected with NF1-related conditions. ClinVar contains an entry for this variant (Variation ID: 404461). Invitae Evidence Modeling of protein sequence and biophysical properties (such as structural, functional, and spatial information, amino acid conservation, physicochemical variation, residue mobility, and thermodynamic stability) indicates that this missense variant is not expected to disrupt NF1 protein function with a negative predictive value of 95%. In summary, the available evidence is currently insufficient to determine the role of this variant in disease. Therefore, it has been classified as a Variant of Uncertain Significance.

NM_001042492.3(NF1):c.1916A>G (p.Asn639Ser)

Gene: NF1 (neurofibromin 1; plus strand). Cytogenetic location: 17q11.2.
Variant type: single nucleotide variant.
Coding change: c.1916A>G on transcript NM_001042492.3 (MANE Select); coding-DNA position 1916, A replaced by G.
Protein change: p.Asn639Ser; replaces asparagine 639 with serine.
Molecular consequence: missense variant.
Genome position (GRCh38, 1-based): chr17:31,225,165, A>G. VCF-style: chr17-31225165-A-G. GRCh37 (hg19) VCF-style: chr17-29552183-A-G.
Other names: c.1916A>G, p.Asn639Ser (NM_000267.4); short protein forms N639S.
Identifiers: ClinVar variation 404461 (VCV000404461.9), dbSNP rs1060500275, ClinGen allele CA16615586.
Genomic context (GRCh38, chr17:31,225,165, plus strand): 5'-GAAGTTCCTGTCACTTTCTCCTTTTTTACGGGGTAGGATGTGATATTCCTTCTAGTGGAA[A>G]TACCAGTCAAATGTCCATGGATCATGAAGAATTACTACGTACTCCTGGAGCCTCTCTCCG-3'
Protein context (NP_001035957.1, residues 629-649): GVGCDIPSSG[Asn639Ser]TSQMSMDHEE